The following is an entry in ClinVar:

ClinVar aggregate classification (germline): Pathogenic (1 of 4 stars; one submission).

Conditions:
Congenital microcephaly - severe encephalopathy - progressive cerebral atrophy syndrome. Also called: ASNS DEFICIENCY; Asparagine synthetase deficiency. Identifiers: Orphanet 391376, MedGen C3809971, MONDO:0014258, OMIM 615574.

Submission:

Myriad Genetics, Inc.
Classification: Pathogenic for Congenital microcephaly - severe encephalopathy - progressive cerebral atrophy syndrome. Last evaluated: 2023-09-21. Review status: criteria provided, single submitter. Criteria: Myriad Autosomal Dominant, Autosomal Recessive and X-Linked Classification Criteria (2023). Collection method: clinical testing. Allele origin: unknown.
Comment: NM_001673.4(ASNS):c.1183_1184delAG(R395Gfs*6) is expected to be pathogenic in the context of asparagine synthetase deficiency. This variant is predicted to lead to an abnormal or absent protein product due to the creation of a premature termination codon in ASNS, a gene where loss-of-function variants are known to be pathogenic. Please note: this variant was assessed in the context of healthy population screening.

NM_001673.5(ASNS):c.1183_1184del (p.Arg395fs)

Genes: ASNS (asparagine synthetase (glutamine-hydrolyzing); minus strand), CZ1P-ASNS (CZ1P-ASNS readthrough; minus strand). Cytogenetic location: 7q21.3.
Variant type: Deletion.
Coding change: c.1183_1184del on transcript NM_001673.5 (MANE Select); coding-DNA positions 1183 to 1184, 2 bases deleted (AG; older notation c.1183_1184delAG).
Protein change: p.Arg395fs; shifts the reading frame from arginine 395.
Molecular consequence: frameshift variant. On other transcripts: non-coding transcript variant (1).
Genome position (GRCh38, 1-based): chr7:97,854,634-97,854,635, CT deleted on the plus strand (AG on the coding strand, the reverse complement: ASNS is on the minus strand); deleting any 2 consecutive bases within chr7:97,854,634-97,854,636 gives the same sequence; the c. name uses the placement nearest the transcript's 3' end. VCF-style (leftmost placement, unchanged base first): chr7-97854633-CCT-C. GRCh37 (hg19) VCF-style: chr7-97483945-CCT-C.
Other names: c.1120_1121del, p.Arg374fs (NM_001178075.2); c.934_935del, p.Arg312fs (NM_001178076.2, NM_001178077.1); c.1183_1184del, p.Arg395fs (NM_001352496.2, NM_133436.3, NM_183356.4); short protein forms R312fs, R374fs, R395fs.
Identifiers: ClinVar variation 5011708 (VCV005011708.1).